The following is an entry in ClinVar:

ClinVar aggregate classification (germline): Likely benign (1 of 4 stars; one submission).

Conditions:
ARHGDIA-related disorder. Also called: ARHGDIA-related condition.

gnomAD v4.1: 31 of 1,554,974 alleles (0.002%); highest among the groups gnomAD compares: East Asian, 0.052%; no homozygotes.

Submission:

PreventionGenetics, part of Exact Sciences
Classification: Likely benign for ARHGDIA-related condition. Last evaluated: 2025-03-05. Review status: criteria provided, single submitter. Criteria: ACMG Guidelines, 2015. Collection method: clinical testing. Allele origin: germline.
Comment: This variant is classified as likely benign based on ACMG/AMP sequence variant interpretation guidelines (Richards et al. 2015 PMID: 25741868, with internal and published modifications).

NM_004309.6(ARHGDIA):c.*103C>T

Gene: ARHGDIA (Rho GDP dissociation inhibitor alpha; minus strand). Cytogenetic location: 17q25.3.
Variant type: single nucleotide variant.
Coding change: c.*103C>T on transcript NM_004309.6 (MANE Select); 103 bases downstream of the stop codon, C replaced by T.
Molecular consequence: 3 prime UTR variant. On other transcripts: synonymous variant (1), non-coding transcript variant (1), intron variant (2).
Genome position (GRCh38, 1-based): chr17:81,868,773, G>A on the plus strand (C>T on the coding strand, the complement: ARHGDIA is on the minus strand). VCF-style: chr17-81868773-G-A. GRCh37 (hg19) VCF-style: chr17-79826649-G-A.
Other names: c.*103C>T (NM_001185077.3, NM_001185078.3, NM_001301243.2); c.606C>T, p.Pro202= (NM_001301242.2); c.503-189C>T (NM_001301240.2, NM_001301241.2).
Identifiers: ClinVar variation 4977693 (VCV004977693.1).